The following is an entry in ClinVar:

ClinVar aggregate classification (germline): Uncertain significance (0 of 4 stars; one submission).

Submission:

Leiden Open Variation Database
Classification: Uncertain significance. Last evaluated: 2021-04-06. Review status: no assertion criteria provided. Collection method: curation. Allele origin: germline. Affected: yes.
Comment: Curator: Global Variome, with Curator vacancy. Submitter to LOVD: Manon Peeters.

Literature cited by the submitters: PubMed 26747767.

NM_000322.5(PRPH2):c.857T>C (p.Leu286Pro)

Gene: PRPH2 (peripherin 2; minus strand). Cytogenetic location: 6p21.1.
Variant type: single nucleotide variant.
Coding change: c.857T>C on transcript NM_000322.5 (MANE Select); coding-DNA position 857, T replaced by C.
Protein change: p.Leu286Pro; replaces leucine 286 with proline.
Molecular consequence: missense variant.
Genome position (GRCh38, 1-based): chr6:42,698,479, A>G on the plus strand (T>C on the coding strand, the complement: PRPH2 is on the minus strand). VCF-style: chr6-42698479-A-G. GRCh37 (hg19) VCF-style: chr6-42666217-A-G.
Other names: short protein forms L286P.
Identifiers: ClinVar variation 1175274 (VCV001175274.1), dbSNP rs2152003871, ClinGen allele CA364133458.
Genomic context (GRCh38, chr6:42,698,479, plus strand): 5'-CAGCCCTGGCTCTCGCTCTCAGATTCCTCGGGGTTGGACACACCATCCAGCGACGTCTGT[A>G]GGTAGCGCAGCCCAATTGTAATGGTCACCTGGTGGTGGGAGAGGAGATTTAGAGGCAATC-3'
Protein context (NP_000313.2, residues 276-296): EVTITIGLRY[Leu286Pro]QTSLDGVSNP